The following is an entry in ClinVar:

ClinVar aggregate classification (germline): Likely pathogenic (1 of 4 stars; one submission).

Submission:

CeGaT Center for Human Genetics Tuebingen
Classification: Likely pathogenic. Last evaluated: 2022-05-01. Review status: criteria provided, single submitter. Criteria: CeGaT Center For Human Genetics Tuebingen Variant Classification Criteria Version 2. Collection method: clinical testing. Allele origin: germline. Affected: yes. Observed: 1 variant allele.
Comment: DSG2: PVS1:Strong, PM2

NM_001943.5(DSG2):c.1283_1284del (p.Tyr428fs)

Gene: DSG2 (desmoglein 2; plus strand). Cytogenetic location: 18q12.1.
Variant type: Microsatellite.
Coding change: c.1283_1284del on transcript NM_001943.5 (MANE Select); coding-DNA positions 1283 to 1284, 2 bases deleted (AT; older notation c.1283_1284delAT).
Protein change: p.Tyr428fs; shifts the reading frame from tyrosine 428.
Molecular consequence: frameshift variant.
Genome position (GRCh38, 1-based): chr18:31,535,272-31,535,273, AT deleted; deleting any 2 consecutive bases within chr18:31,535,270-31,535,273 gives the same sequence; the c. name uses the placement nearest the transcript's 3' end. VCF-style (leftmost placement, unchanged base first): chr18-31535269-GAT-G. GRCh37 (hg19) VCF-style: chr18-29115232-GAT-G.
Other names: short protein forms Y428fs.
Identifiers: ClinVar variation 1694870 (VCV001694870.31), dbSNP rs2144339598, ClinGen allele CA2580612969.